The following is an entry in ClinVar:

ClinVar aggregate classification (germline): Pathogenic/Likely pathogenic. Review status: criteria provided, multiple submitters, no conflicts (2 of 4 stars). 6 submissions from 6 submitters: Pathogenic (3); Likely pathogenic (3). Last evaluated 2026-07-01.

Conditions:
TTN-related disorder. Also called: TTN-related disorders; TTN-related condition; TTN-related disease.
Cardiovascular phenotype. Identifiers: MedGen CN230736.
Autosomal recessive limb-girdle muscular dystrophy type 2J (LGMDR10). Also called: Limb-girdle muscular dystrophy, type 2J; MUSCULAR DYSTROPHY, LIMB-GIRDLE, AUTOSOMAL RECESSIVE 10. Identifiers: Orphanet 140922, MedGen C1837342, MONDO:0012127, OMIM 608807.
Dilated cardiomyopathy 1G (CMD1G). Identifiers: Orphanet 154, MedGen C1858763, MONDO:0011400, OMIM 604145.
Primary dilated cardiomyopathy (DCM). Also called: Dilated Cardiomyopathy. Identifiers: Orphanet 217604, MedGen C0007193, MeSH D002311, MONDO:0005021, HP:0001644. Inheritance: Various modes of inheritance.

Allele frequency attached by ClinVar (database versions not stated): gnomAD exomes below 0.00001.
gnomAD v4.1: 1 of 1,609,964 alleles (0.000062%); highest among the groups gnomAD compares: Non-Finnish European, 0.000085%; no homozygotes.

Submissions (6):

CeGaT Center for Human Genetics Tuebingen
Classification: Likely pathogenic. Last evaluated: 2026-07-01. Review status: criteria provided, single submitter. Criteria: CeGaT Center For Human Genetics Tuebingen Variant Classification Criteria Version 2. Collection method: clinical testing. Allele origin: germline. Affected: yes. Observed: 3 variant alleles.
Comment: TTN: PVS1:Strong, PM2, PS4:Moderate

Labcorp Genetics (formerly Invitae), Labcorp
Classification: Pathogenic for Dilated cardiomyopathy 1G; Autosomal recessive limb-girdle muscular dystrophy type 2J. Last evaluated: 2025-02-18. Review status: criteria provided, single submitter. Criteria: Invitae Variant Classification Sherloc (09022015). Collection method: clinical testing. Allele origin: germline.
Comment: This sequence change creates a premature translational stop signal (p.Arg27839*) in the TTN gene. While this is not anticipated to result in nonsense mediated decay, it is expected to create a truncated TTN protein. This variant is not present in population databases (gnomAD no frequency). This premature translational stop signal has been observed in individuals with dilated cardiomyopathy (PMID: 25163546, 25589632; internal data). This variant is also known as c.56896C>T p.R18966X. ClinVar contains an entry for this variant (Variation ID: 223386). This variant is located in the A band of TTN (PMID: 25589632). Truncating variants in this region are significantly overrepresented in patients affected with dilated cardiomyopathy (PMID: 25589632). Truncating variants in this region have also been reported in individuals affected with autosomal recessive centronuclear myopathy (PMID: 23975875). For these reasons, this variant has been classified as Pathogenic.

GeneDx
Classification: Likely pathogenic. Last evaluated: 2024-03-11. Review status: criteria provided, single submitter. Criteria: GeneDx Variant Classification Process June 2021. Collection method: clinical testing. Allele origin: germline. Affected: yes.
Comment: Nonsense variant predicted to result in protein truncation or nonsense mediated decay in a gene for which loss of function is a known mechanism of disease; Located in the A-band region of TTN in which the majority of loss of function variants have been associated with autosomal dominant titinopathies (PMID: 22335739); Not observed at significant frequency in large population cohorts (gnomAD); This variant is associated with the following publications: (PMID: 34461741, 22335739, 25163546, 32160020, 32815318, 25589632)

Ambry Genetics
Classification: Pathogenic for Cardiovascular phenotype. Last evaluated: 2023-12-29. Review status: criteria provided, single submitter. Criteria: Ambry Variant Classification Scheme 2023. Collection method: clinical testing. Allele origin: germline.
Comment: The p.R18774* pathogenic mutation (also known as c.56320C>T), located in coding exon 153 of the TTN gene, results from a C to T substitution at nucleotide position 56320. This changes the amino acid from an arginine to a stop codon within coding exon 153. This exon is located in the A-band region of the N2-B isoform of the titin protein and is constitutively expressed in TTN transcripts (percent spliced in or PSI 100%). This variant (also referred to as NM_133437:c.56896C>T, p.R18966* and NM_001267550:c.83515C>T, p.Arg27839*) has been detected in individuals with dilated cardiomyopathy (Roberts AM et al. Sci Transl Med, 2015 Jan;7:270ra6; Haas J et al. Eur Heart J, 2015 May;36:1123-35a). This variant is considered to be rare based on population cohorts in the Genome Aggregation Database (gnomAD). This alteration is expected to result in loss of function by premature protein truncation or nonsense-mediated mRNA decay. While truncating variants in TTN are present in 1-3% of the general population, truncating variants in the A-band are the most common cause of dilated cardiomyopathy (DCM) (Herman DS et al. N. Engl. J. Med., 2012 Feb;366:619-28; Roberts AM et al. Sci Transl Med, 2015 Jan;7:270ra6). TTN truncating variants encoded in constitutive exons (PSI >90%) have been found to be significantly associated with DCM regardless of their position in titin (Schafer S et al. Nat. Genet., 2017 01;49:46-53). Based on the supporting evidence, this alteration is interpreted as a disease-causing mutation.

Blueprint Genetics
Classification: Pathogenic for TTN-related disorders. Last evaluated: 2019-11-12. Review status: criteria provided, single submitter. Criteria: ACMG Guidelines, 2015. Collection method: clinical testing. Allele origin: germline. Affected: yes. Observed: 1 variant allele.

Cardiovascular Biomedical Research Unit, Royal Brompton & Harefield NHS Foundation Trust
Classification: Likely pathogenic for Primary dilated cardiomyopathy. Last evaluated: 2014-10-08. Review status: criteria provided, single submitter. Criteria: Roberts et al. 2015. Collection method: research. Allele origin: germline. Inheritance: Autosomal dominant inheritance. Affected: yes. Observed: 1 variant allele. Study: Familial DCM.
Comment: In the seven cohorts assessed, TTNtv were found in 14% of ambulant DCM, 22% end-stage or familial DCM, and 2% controls. Heterozygous nonsense, frameshift and canonical splice-disrupting variants found in constitutive and other highly utilised exons are highly likely to be pathogenic when identified in individuals with phenotypically confirmed DCM. TTNtv found incidentally in healthy individuals (excluding familial assessment of DCM relatives) are thought to have low penetrance, particularly when identified in exons that are not constitutively expressed in the heart.

Literature cited by the submitters: PubMed 25163546 (cited by Labcorp Genetics (formerly Invitae), Labcorp and Ambry Genetics); PubMed 25589632 (cited by Labcorp Genetics (formerly Invitae), Labcorp and Ambry Genetics); PubMed 23975875 (cited by Labcorp Genetics (formerly Invitae), Labcorp).

NM_001267550.2(TTN):c.83515C>T (p.Arg27839Ter)

Genes: TTN (titin; minus strand), TTN-AS1 (TTN antisense RNA 1; plus strand). Cytogenetic location: 2q31.2.
Variant type: single nucleotide variant.
Coding change: c.83515C>T on transcript NM_001267550.2 (MANE Select); coding-DNA position 83515, C replaced by T.
Protein change: p.Arg27839Ter; replaces arginine 27839 with a stop codon.
Molecular consequence: nonsense.
Genome position (GRCh38, 1-based): chr2:178,562,617, G>A on the plus strand (C>T on the coding strand, the complement: TTN is on the minus strand). VCF-style: chr2-178562617-G-A. GRCh37 (hg19) VCF-style: chr2-179427344-G-A.
Other names: c.78592C>T, p.Arg26198Ter (NM_001256850.1); c.56320C>T, p.Arg18774Ter (NM_003319.4); c.75811C>T, p.Arg25271Ter (NM_133378.4); c.56695C>T, p.Arg18899Ter (NM_133432.3); c.56896C>T, p.Arg18966Ter (NM_133437.4); c.83515C>T (NM_001267550.1, LRG_391t1); short protein forms R27839*, R26198*, R18899*, R18966*, R25271*, R18774*.
Identifiers: ClinVar variation 223386 (VCV000223386.45), dbSNP rs869312118, ClinGen allele CA353024.